The following is an entry in ClinVar:

NM_000310.4(PPT1):c.718G>A (p.Asp240Asn)

Gene: PPT1 (palmitoyl-protein thioesterase 1; minus strand). Cytogenetic location: 1p34.2.
Variant type: single nucleotide variant.
Coding change: c.718G>A on transcript NM_000310.4 (MANE Select); coding-DNA position 718, G replaced by A.
Protein change: p.Asp240Asn; replaces aspartic acid 240 with asparagine.
Molecular consequence: missense variant.
Genome position (GRCh38, 1-based): chr1:40,078,568, C>T on the plus strand (G>A on the coding strand, the complement: PPT1 is on the minus strand). VCF-style: chr1-40078568-C-T. GRCh37 (hg19) VCF-style: chr1-40544240-C-T.
Other names: p.D240N:GAT>AAT; c.409G>A, p.Asp137Asn (NM_001142604.2); c.718G>A, p.Asp240Asn (NM_001363695.2); short protein forms D240N, D137N.
Identifiers: ClinVar variation 206650 (VCV000206650.7), dbSNP rs796052926, ClinGen allele CA316949.

ClinVar aggregate classification (germline): Uncertain significance. Review status: criteria provided, multiple submitters, no conflicts (2 of 4 stars). 2 submissions from 2 submitters: Uncertain significance (2). Last evaluated 2022-08-09.

Conditions:
Neuronal ceroid lipofuscinosis 1 (CLN1). Also called: CEROID LIPOFUSCINOSIS, NEURONAL, 1, VARIABLE AGE AT ONSET; PPT1-Related Neuronal Ceroid-Lipofuscinosis. Identifiers: Orphanet 228329, MedGen C1850451, MONDO:0009744, OMIM 256730.

Allele frequency attached by ClinVar (database versions not stated): gnomAD exomes below 0.00001; TOPMed below 0.00001.

Submissions (2):

Labcorp Genetics (formerly Invitae), Labcorp
Classification: Uncertain significance for Neuronal ceroid lipofuscinosis 1. Last evaluated: 2022-08-09. Review status: criteria provided, single submitter. Criteria: Invitae Variant Classification Sherloc (09022015). Collection method: clinical testing. Allele origin: germline.
Comment: ClinVar contains an entry for this variant (Variation ID: 206650). This variant has not been reported in the literature in individuals affected with PPT1-related conditions. This variant is not present in population databases (gnomAD no frequency). This sequence change replaces aspartic acid, which is acidic and polar, with asparagine, which is neutral and polar, at codon 240 of the PPT1 protein (p.Asp240Asn). In summary, the available evidence is currently insufficient to determine the role of this variant in disease. Therefore, it has been classified as a Variant of Uncertain Significance. Advanced modeling of protein sequence and biophysical properties (such as structural, functional, and spatial information, amino acid conservation, physicochemical variation, residue mobility, and thermodynamic stability) performed at Invitae indicates that this missense variant is not expected to disrupt PPT1 protein function.

GeneDx
Classification: Uncertain significance. Last evaluated: 2014-09-25. Review status: criteria provided, single submitter. Criteria: GeneDx Variant Classification (06012015). Collection method: clinical testing. Allele origin: germline. Affected: yes.
Comment: p.Asp240Asn (GAT>AAT): c.718 G>A in exon 7 of the PPT1 gene (NM_000310.3). The D240N variant has not been published as a mutation, nor has it been reported as a benign polymorphism to our knowledge. It was not observed in approximately 6,500 individuals of European and African American ancestry in the NHLBI Exome Sequencing Project, indicating it is not a common benign variant in these populations. This substitution occurs at a position that is not conserved across all species in evolution. However, missense mutations in nearby residues (S241L, Y247H, G250V) have been reported in association with neuronal ceroid lipofuscinosis, supporting the functional importance of this region of the protein. Additionally, the D240N variant is a semi-conservative amino acid substitution, which may impact secondary protein structure as these residues differ in some properties. In silico analysis is inconsistent in its predictions as to whether or not the variant is damaging to the protein structure/function. Therefore, based on the currently available information, it is unclear whether this variant is a pathogenic mutation or a rare benign variant. The variant is found in EPILEPSY panel(s).